The following is an entry in ClinVar:

NM_024529.5(CDC73):c.721A>T (p.Thr241Ser)

Gene: CDC73 (cell division cycle 73; plus strand). Cytogenetic location: 1q31.2.
Variant type: single nucleotide variant.
Coding change: c.721A>T on transcript NM_024529.5 (MANE Select); coding-DNA position 721, A replaced by T.
Protein change: p.Thr241Ser; replaces threonine 241 with serine.
Molecular consequence: missense variant.
Genome position (GRCh38, 1-based): chr1:193,142,058, A>T. VCF-style: chr1-193142058-A-T. GRCh37 (hg19) VCF-style: chr1-193111188-A-T.
Other names: short protein forms T241S.
Identifiers: ClinVar variation 3265046 (VCV003265046.3).

ClinVar aggregate classification (germline): Uncertain significance. Review status: criteria provided, multiple submitters, no conflicts (2 of 4 stars). 2 submissions from 2 submitters: Uncertain significance (2). Last evaluated 2026-02-01.

Conditions:
Hereditary cancer-predisposing syndrome. Also called: Hereditary Cancer Syndrome; Tumor predisposition; Hereditary neoplastic syndrome; Neoplastic Syndromes, Hereditary. Identifiers: Orphanet 140162, MedGen C0027672, MeSH D009386, MONDO:0015356.
Parathyroid carcinoma (PRTC). Also called: CDC73-Related Parathyroid Carcinoma; Parathyroid gland carcinoma. Identifiers: Orphanet 143, MedGen C0687150, MONDO:0012004, OMIM 608266, HP:0006780.

gnomAD v4.1: 1 of 1,611,494 alleles (0.000062%); no homozygotes.

Submissions (2):

Labcorp Genetics (formerly Invitae), Labcorp
Classification: Uncertain significance for Parathyroid carcinoma. Last evaluated: 2026-02-01. Review status: criteria provided, single submitter. Criteria: Invitae Variant Classification Sherloc (09022015). Collection method: clinical testing. Allele origin: germline.
Comment: This sequence change replaces threonine, which is neutral and polar, with serine, which is neutral and polar, at codon 241 of the CDC73 protein (p.Thr241Ser). This variant is not present in population databases (gnomAD no frequency). This variant has not been reported in the literature in individuals affected with CDC73-related conditions. ClinVar contains an entry for this variant (Variation ID: 3265046). Invitae Evidence Modeling of protein sequence and biophysical properties (such as structural, functional, and spatial information, amino acid conservation, physicochemical variation, residue mobility, and thermodynamic stability) indicates that this missense variant is not expected to disrupt CDC73 protein function with a negative predictive value of 80%. In summary, the available evidence is currently insufficient to determine the role of this variant in disease. Therefore, it has been classified as a Variant of Uncertain Significance.

Ambry Genetics
Classification: Uncertain significance for Hereditary cancer-predisposing syndrome. Last evaluated: 2024-04-13. Review status: criteria provided, single submitter. Criteria: Ambry Variant Classification Scheme 2023. Collection method: clinical testing. Allele origin: germline.
Comment: The p.T241S variant (also known as c.721A>T), located in coding exon 7 of the CDC73 gene, results from an A to T substitution at nucleotide position 721. The threonine at codon 241 is replaced by serine, an amino acid with similar properties. This amino acid position is conserved. In addition, this alteration is predicted to be tolerated by in silico analysis. Based on the available evidence, the clinical significance of this variant remains unclear.